The following is an entry in ClinVar:

Conditions:
Long QT syndrome 5 (LQT5). Identifiers: Orphanet 101016, Orphanet 768, MedGen C1867904, MONDO:0013372, OMIM 613695.

Submission:

Roden Lab, Vanderbilt University Medical Center
No classification provided (evidence only). Condition: Long QT syndrome 5. Review status: no classification provided. Collection method: in vitro. Allele origin: not applicable. Functional consequence: Effect on ion channel function.
ClinVar note: "not provided" was previously submitted as the classification for the variant. However, the classification appeared to be based only on an observation of functional data so it was converted to no classification on 2025-07-30.

NM_000219.6(KCNE1):c.236A>T (p.Asn79Ile)

Gene: KCNE1 (potassium voltage-gated channel subfamily E regulatory subunit 1; minus strand). Cytogenetic location: 21q22.12.
Variant type: single nucleotide variant.
Coding change: c.236A>T on transcript NM_000219.6 (MANE Select); coding-DNA position 236, A replaced by T.
Protein change: p.Asn79Ile; replaces asparagine 79 with isoleucine.
Molecular consequence: missense variant.
Genome position (GRCh38, 1-based): chr21:34,449,399, T>A on the plus strand (A>T on the coding strand, the complement: KCNE1 is on the minus strand). VCF-style: chr21-34449399-T-A. GRCh37 (hg19) VCF-style: chr21-35821697-T-A.
Other names: c.236A>T, p.Asn79Ile (NM_001127668.4, NM_001127669.4, NM_001127670.4 and 4 more transcripts); short protein forms N79I.
Identifiers: ClinVar variation 3374403 (VCV003374403.2).